The following is an entry in ClinVar:

NM_005236.3(ERCC4):c.619C>A (p.His207Asn)

Gene: ERCC4 (ERCC excision repair 4, endonuclease catalytic subunit; plus strand). Cytogenetic location: 16p13.12.
Variant type: single nucleotide variant.
Coding change: c.619C>A on transcript NM_005236.3 (MANE Select); coding-DNA position 619, C replaced by A.
Protein change: p.His207Asn; replaces histidine 207 with asparagine.
Molecular consequence: missense variant.
Genome position (GRCh38, 1-based): chr16:13,928,062, C>A. VCF-style: chr16-13928062-C-A. GRCh37 (hg19) VCF-style: chr16-14021919-C-A.
Other names: short protein forms H207N.
Identifiers: ClinVar variation 4782474 (VCV004782474.1).

ClinVar aggregate classification (germline): Uncertain significance (1 of 4 stars; one submission).

Conditions:
Xeroderma pigmentosum, group F (XPF). Also called: ERCC4-Related Xeroderma Pigmentosum; XERODERMA PIGMENTOSUM, COMPLEMENTATION GROUP F; XERODERMA PIGMENTOSUM, TYPE F; Xeroderma pigmentosum, type 6; XERODERMA PIGMENTOSUM VI; XP, GROUP F. Identifiers: MedGen C0268140, MONDO:0010215, OMIM 278760.
Cockayne syndrome. Identifiers: Orphanet 191, MedGen C0009207, MONDO:0016006.
Fanconi anemia complementation group Q. Identifiers: Orphanet 84, MedGen C3808988, MONDO:0014108, OMIM 615272.

Submission:

Labcorp Genetics (formerly Invitae), Labcorp
Classification: Uncertain significance for Fanconi anemia complementation group Q; Xeroderma pigmentosum, group F; Cockayne syndrome. Last evaluated: 2025-06-29. Review status: criteria provided, single submitter. Criteria: Invitae Variant Classification Sherloc (09022015). Collection method: clinical testing. Allele origin: germline.
Comment: This sequence change replaces histidine, which is basic and polar, with asparagine, which is neutral and polar, at codon 207 of the ERCC4 protein (p.His207Asn). This variant is not present in population databases (gnomAD no frequency). This variant has not been reported in the literature in individuals affected with ERCC4-related conditions. Invitae Evidence Modeling of protein sequence and biophysical properties (such as structural, functional, and spatial information, amino acid conservation, physicochemical variation, residue mobility, and thermodynamic stability) indicates that this missense variant is not expected to disrupt ERCC4 protein function with a negative predictive value of 80%. In summary, the available evidence is currently insufficient to determine the role of this variant in disease. Therefore, it has been classified as a Variant of Uncertain Significance.